The following is an entry in ClinVar:

ClinVar aggregate classification (germline): Likely pathogenic (1 of 4 stars; one submission).

Conditions:
Gorlin syndrome. Also called: Nevoid Basal Cell Carcinoma Syndrome; Basal cell nevus syndrome. Identifiers: Orphanet 377, MedGen C0004779, MONDO:0007187.

Submission:

Institute of Human Genetics, University of Leipzig Medical Center
Classification: Likely pathogenic for Basal cell nevus syndrome 1. Last evaluated: 2023-12-18. Review status: criteria provided, single submitter. Criteria: ACMG Guidelines, 2015. Collection method: clinical testing. Allele origin: unknown. Inheritance: Autosomal dominant inheritance. Affected: yes.
Comment: Criteria applied: PVS1,PM2_SUP

NM_000264.5(PTCH1):c.290_291insT (p.Cys98fs)

Gene: PTCH1 (patched 1; minus strand). Cytogenetic location: 9q22.32.
Variant type: Insertion.
Coding change: c.290_291insT on transcript NM_000264.5 (MANE Select); coding-DNA positions 290 to 291, T inserted.
Protein change: p.Cys98fs; shifts the reading frame from cysteine 98.
Molecular consequence: frameshift variant. On other transcripts: 5 prime UTR variant (4), non-coding transcript variant (1).
Genome position: GRCh38 VCF-style: chr9-95506510-G-GA. GRCh37 (hg19) VCF-style: chr9-98268792-G-GA.
Other names: c.92_93insT, p.Cys32fs (NM_001083602.3, NM_001354919.2); c.287_288insT, p.Cys97fs (NM_001083603.3); c.-164_-163insT (NM_001083604.3, NM_001083605.3, NM_001083606.3 and 1 more transcripts); c.290_291insT, p.Cys98fs (NM_001354918.2); short protein forms C32fs, C97fs, C98fs.
Identifiers: ClinVar variation 2691884 (VCV002691884.2), dbSNP rs2538383374, ClinGen allele CA645560460.